The following is an entry in ClinVar:

ClinVar aggregate classification (germline): Uncertain significance (1 of 4 stars; one submission).

Conditions:
Baller-Gerold syndrome (BGS). Also called: CRANIOSYNOSTOSIS WITH RADIAL DEFECTS. Identifiers: Orphanet 1225, MedGen C0265308, MONDO:0009039, OMIM 218600.

gnomAD v4.1: 1 of 1,612,616 alleles (0.000062%); highest among the groups gnomAD compares: South Asian, 0.0011%; no homozygotes.

Submission:

Labcorp Genetics (formerly Invitae), Labcorp
Classification: Uncertain significance for Baller-Gerold syndrome. Last evaluated: 2024-07-08. Review status: criteria provided, single submitter. Criteria: Invitae Variant Classification Sherloc (09022015). Collection method: clinical testing. Allele origin: germline.
Comment: This sequence change replaces cysteine, which is neutral and slightly polar, with tyrosine, which is neutral and polar, at codon 1141 of the RECQL4 protein (p.Cys1141Tyr). This variant is present in population databases (no rsID available, gnomAD 0.003%). This variant has not been reported in the literature in individuals affected with RECQL4-related conditions. Advanced modeling of protein sequence and biophysical properties (such as structural, functional, and spatial information, amino acid conservation, physicochemical variation, residue mobility, and thermodynamic stability) performed at Invitae indicates that this missense variant is not expected to disrupt RECQL4 protein function with a negative predictive value of 80%. In summary, the available evidence is currently insufficient to determine the role of this variant in disease. Therefore, it has been classified as a Variant of Uncertain Significance.

NM_004260.4(RECQL4):c.3422G>A (p.Cys1141Tyr)

Gene: RECQL4 (RecQ like helicase 4; minus strand). Cytogenetic location: 8q24.3.
Variant type: single nucleotide variant.
Coding change: c.3422G>A on transcript NM_004260.4 (MANE Select); coding-DNA position 3422, G replaced by A.
Protein change: p.Cys1141Tyr; replaces cysteine 1141 with tyrosine.
Molecular consequence: missense variant. On other transcripts: non-coding transcript variant (3).
Genome position (GRCh38, 1-based): chr8:144,511,761, C>T on the plus strand (G>A on the coding strand, the complement: RECQL4 is on the minus strand). VCF-style: chr8-144511761-C-T. GRCh37 (hg19) VCF-style: chr8-145737144-C-T.
Other names: c.3071G>A, p.Cys1024Tyr (NM_001413029.1); c.2285G>A, p.Cys762Tyr (NM_001413030.1, NM_001413032.1, NM_001413027.1); c.2153G>A, p.Cys718Tyr (NM_001413031.1, NM_001413038.1); c.3290G>A, p.Cys1097Tyr (NM_001413033.1); c.2351G>A, p.Cys784Tyr (NM_001413034.1, NM_001413035.1, NM_001413040.1 and 4 more transcripts); c.3431G>A, p.Cys1144Tyr (NM_001413036.1); c.2219G>A, p.Cys740Tyr (NM_001413037.1); c.3392G>A, p.Cys1131Tyr (NM_001413039.1); and 9 more; short protein forms C1024Y, C1043Y, C1097Y, C1109Y, C740Y, C1098Y, C1141Y, C1166Y.
Identifiers: ClinVar variation 3667311 (VCV003667311.2).